The following is an entry in ClinVar:

NM_032447.5(FBN3):c.853G>A (p.Ala285Thr)

Gene: FBN3 (fibrillin 3; minus strand). Cytogenetic location: 19p13.2.
Variant type: single nucleotide variant.
Coding change: c.853G>A on transcript NM_032447.5 (MANE Select); coding-DNA position 853, G replaced by A.
Protein change: p.Ala285Thr; replaces alanine 285 with threonine.
Molecular consequence: missense variant.
Genome position (GRCh38, 1-based): chr19:8,141,729, C>T on the plus strand (G>A on the coding strand, the complement: FBN3 is on the minus strand). VCF-style: chr19-8141729-C-T. GRCh37 (hg19) VCF-style: chr19-8206613-C-T.
Other names: c.853G>A, p.Ala285Thr (NM_001321431.2); short protein forms A285T.
Identifiers: ClinVar variation 3277993 (VCV003277993.3).

ClinVar aggregate classification (germline): Uncertain significance. Review status: criteria provided, multiple submitters, no conflicts (2 of 4 stars). 2 submissions from 2 submitters: Uncertain significance (2). Last evaluated 2025-06-12.

Submissions (2):

Labcorp Genetics (formerly Invitae), Labcorp
Classification: Uncertain significance. Last evaluated: 2025-06-12. Review status: criteria provided, single submitter. Criteria: Invitae Variant Classification Sherloc (09022015). Collection method: clinical testing. Allele origin: germline.
Comment: This sequence change replaces alanine, which is neutral and non-polar, with threonine, which is neutral and polar, at codon 285 of the FBN3 protein (p.Ala285Thr). This variant is present in population databases (no rsID available, gnomAD 0.007%). This variant has not been reported in the literature in individuals affected with FBN3-related conditions. ClinVar contains an entry for this variant (Variation ID: 3277993). An algorithm developed to predict the effect of missense changes on protein structure and function outputs the following: PolyPhen-2: "Benign". The threonine amino acid residue is found in multiple mammalian species, which suggests that this missense change does not adversely affect protein function. In summary, the available evidence is currently insufficient to determine the role of this variant in disease. Therefore, it has been classified as a Variant of Uncertain Significance.

Ambry Genetics
Classification: Uncertain significance. Last evaluated: 2024-04-23. Review status: criteria provided, single submitter. Criteria: Ambry Variant Classification Scheme 2023. Collection method: clinical testing. Allele origin: germline.